The following is an entry in ClinVar:

ClinVar aggregate classification (germline): Uncertain significance. Review status: criteria provided, multiple submitters, no conflicts (2 of 4 stars). 3 submissions from 3 submitters: Uncertain significance (3). Last evaluated 2024-03-29.

Conditions:
Dilated cardiomyopathy 1JJ (CMD1JJ). Identifiers: Orphanet 154, MedGen C3808935, MONDO:0014095, OMIM 615235.

Allele frequency attached by ClinVar (database versions not stated): gnomAD exomes below 0.00001 and 0.00001; ExAC 0.00001; TOPMed 0.00001; gnomAD 0.00003; ESP Exome Variant Server 0.00008.
gnomAD v4.1: 6 of 1,614,086 alleles (0.00037%); highest among the groups gnomAD compares: African/African-American, 0.0067%; no homozygotes.

Submissions (3):

Labcorp Genetics (formerly Invitae), Labcorp
Classification: Uncertain significance for Dilated cardiomyopathy 1JJ. Last evaluated: 2024-03-29. Review status: criteria provided, single submitter. Criteria: Invitae Variant Classification Sherloc (09022015). Collection method: clinical testing. Allele origin: germline.
Comment: This sequence change replaces histidine, which is basic and polar, with tyrosine, which is neutral and polar, at codon 761 of the LAMA4 protein (p.His761Tyr). This variant is present in population databases (rs140107576, gnomAD 0.01%). This variant has not been reported in the literature in individuals affected with LAMA4-related conditions. ClinVar contains an entry for this variant (Variation ID: 1314452). An algorithm developed to predict the effect of missense changes on protein structure and function (PolyPhen-2) suggests that this variant is likely to be tolerated. In summary, the available evidence is currently insufficient to determine the role of this variant in disease. Therefore, it has been classified as a Variant of Uncertain Significance.

Fulgent Genetics
Classification: Uncertain significance for Dilated cardiomyopathy 1JJ. Last evaluated: 2021-09-01. Review status: criteria provided, single submitter. Criteria: ACMG Guidelines, 2015. Collection method: clinical testing. Allele origin: unknown.

GeneDx
Classification: Uncertain significance. Last evaluated: 2021-04-02. Review status: criteria provided, single submitter. Criteria: GeneDx Variant Classification Process June 2021. Collection method: clinical testing. Allele origin: germline. Affected: yes.
Comment: Has not been previously published as pathogenic or benign to our knowledge; Not observed at a significant frequency in large population cohorts (Lek et al., 2016); In silico analysis supports that this missense variant does not alter protein structure/function

NM_001105206.3(LAMA4):c.2302C>T (p.His768Tyr)

Gene: LAMA4 (laminin subunit alpha 4; minus strand). Cytogenetic location: 6q21.
Variant type: single nucleotide variant.
Coding change: c.2302C>T on transcript NM_001105206.3 (MANE Select); coding-DNA position 2302, C replaced by T.
Protein change: p.His768Tyr; replaces histidine 768 with tyrosine.
Molecular consequence: missense variant.
Genome position (GRCh38, 1-based): chr6:112,148,208, G>A on the plus strand (C>T on the coding strand, the complement: LAMA4 is on the minus strand). VCF-style: chr6-112148208-G-A. GRCh37 (hg19) VCF-style: chr6-112469410-G-A.
Other names: c.2281C>T, p.His761Tyr (NM_001105207.3, NM_002290.5); short protein forms H761Y, H768Y.
Identifiers: ClinVar variation 1314452 (VCV001314452.5), dbSNP rs140107576, ClinGen allele CA3965515.